The following is an entry in ClinVar:

NM_002230.4(JUP):c.2225A>G (p.His742Arg)

Gene: JUP (junction plakoglobin; minus strand). Cytogenetic location: 17q21.2.
Variant type: single nucleotide variant.
Coding change: c.2225A>G on transcript NM_002230.4 (MANE Select); coding-DNA position 2225, A replaced by G.
Protein change: p.His742Arg; replaces histidine 742 with arginine.
Molecular consequence: missense variant.
Genome position (GRCh38, 1-based): chr17:41,755,757, T>C on the plus strand (A>G on the coding strand, the complement: JUP is on the minus strand). VCF-style: chr17-41755757-T-C. GRCh37 (hg19) VCF-style: chr17-39912009-T-C.
Other names: c.2225A>G, p.His742Arg (NM_001352773.2, NM_001352774.2, NM_001352775.2 and 3 more transcripts); short protein forms H742R.
Identifiers: ClinVar variation 4040991 (VCV004040991.1).

ClinVar aggregate classification (germline): Uncertain significance (1 of 4 stars; one submission).

Conditions:
Cardiovascular phenotype. Identifiers: MedGen CN230736.

gnomAD v4.1: 1 of 1,590,802 alleles (0.000063%); highest among the groups gnomAD compares: South Asian, 0.0011%; no homozygotes.

Submission:

Ambry Genetics
Classification: Uncertain significance for Cardiovascular phenotype. Last evaluated: 2025-06-01. Review status: criteria provided, single submitter. Criteria: Ambry Variant Classification Scheme 2023. Collection method: clinical testing. Allele origin: germline.
Comment: The p.H742R variant (also known as c.2225A>G), located in coding exon 13 of the JUP gene, results from an A to G substitution at nucleotide position 2225. The histidine at codon 742 is replaced by arginine, an amino acid with highly similar properties. This amino acid position is conserved. In addition, this alteration is predicted to be tolerated by in silico analysis. Based on the available evidence, the clinical significance of this variant remains unclear.